The following is an entry in ClinVar:

NM_000250.2(MPO):c.1410G>A (p.Thr470=)

Genes: MPO (myeloperoxidase; minus strand), LOC106694316 (enhancer region in introns 7-9 of MPO; plus strand). Cytogenetic location: 17q22.
Variant type: single nucleotide variant.
Coding change: c.1410G>A on transcript NM_000250.2 (MANE Select); coding-DNA position 1410, G replaced by A.
Protein change: p.Thr470=; no amino-acid change (threonine 470 retained).
Molecular consequence: synonymous variant.
Genome position (GRCh38, 1-based): chr17:58,273,625, C>T on the plus strand (G>A on the coding strand, the complement: MPO is on the minus strand). VCF-style: chr17-58273625-C-T. GRCh37 (hg19) VCF-style: chr17-56350986-C-T.
Identifiers: ClinVar variation 790182 (VCV000790182.6), dbSNP rs61095987, ClinGen allele CA8670645.

ClinVar aggregate classification (germline): Benign/Likely benign. Review status: criteria provided, multiple submitters, no conflicts (2 of 4 stars). 3 submissions from 3 submitters: Benign (1); Likely benign (1). 1 of the submissions does not count toward it. Last evaluated 2024-08-20.

Conditions:
MPO-related disorder. Also called: MPO-related condition.

Allele frequency attached by ClinVar (database versions not stated): 1000 Genomes Project 0.00240; 1000 Genomes Project 30x 0.00250; ESP Exome Variant Server 0.00154; gnomAD 0.00161 and 0.00171; TOPMed 0.00189.
gnomAD v4.1: 487 of 1,614,188 alleles (0.03%); highest among the groups gnomAD compares: African/African-American, 0.59%; no homozygotes.

Submissions (3):

Blueprint Genetics
Classification: Likely benign. Last evaluated: 2024-08-20. Review status: criteria provided, single submitter. Criteria: ACMG Guidelines, 2015. Collection method: clinical testing. Allele origin: germline.

Labcorp Genetics (formerly Invitae), Labcorp
Classification: Benign. Last evaluated: 2018-04-10. Review status: criteria provided, single submitter. Criteria: Invitae Variant Classification Sherloc (09022015). Collection method: clinical testing. Allele origin: germline.

PreventionGenetics, part of Exact Sciences
Classification: Likely benign for MPO-related condition. Last evaluated: 2019-06-05. Review status: no assertion criteria provided. Collection method: clinical testing. Allele origin: germline. Not counted in ClinVar's aggregate classification.
Comment: This variant is classified as likely benign based on ACMG/AMP sequence variant interpretation guidelines (Richards et al. 2015 PMID: 25741868, with internal and published modifications).